The following is an entry in ClinVar:

ClinVar aggregate classification (germline): Uncertain significance. Review status: criteria provided, multiple submitters, no conflicts (2 of 4 stars). 2 submissions from 2 submitters: Uncertain significance (2). Last evaluated 2024-05-26.

Conditions:
Hereditary cancer-predisposing syndrome. Also called: Neoplastic Syndromes, Hereditary; Hereditary Cancer Syndrome; Tumor predisposition; Hereditary neoplastic syndrome. Identifiers: Orphanet 140162, MedGen C0027672, MeSH D009386, MONDO:0015356.
Familial cancer of breast. Also called: Hereditary breast cancer; BREAST CANCER, FAMILIAL; hereditary breast carcinoma. Identifiers: Orphanet 227535, MedGen C0346153, MONDO:0016419, OMIM 114480. Disease mechanism: loss of function.

Allele frequency attached by ClinVar (database versions not stated): gnomAD exomes below 0.00001.
gnomAD v4.1: 1 of 1,614,064 alleles (0.000062%); highest among the groups gnomAD compares: Non-Finnish European, 0.000085%; no homozygotes.

Submissions (2):

Labcorp Genetics (formerly Invitae), Labcorp
Classification: Uncertain significance for Familial cancer of breast. Last evaluated: 2024-05-26. Review status: criteria provided, single submitter. Criteria: Invitae Variant Classification Sherloc (09022015). Collection method: clinical testing. Allele origin: germline.
Comment: This sequence change replaces leucine, which is neutral and non-polar, with serine, which is neutral and polar, at codon 183 of the CHEK2 protein (p.Leu183Ser). This variant is not present in population databases (gnomAD no frequency). This variant has not been reported in the literature in individuals affected with CHEK2-related conditions. ClinVar contains an entry for this variant (Variation ID: 928240). An algorithm developed to predict the effect of missense changes on protein structure and function (PolyPhen-2) suggests that this variant is likely to be disruptive. Experimental studies have shown that this missense change affects CHEK2 function (PMID: 30851065). In summary, the available evidence is currently insufficient to determine the role of this variant in disease. Therefore, it has been classified as a Variant of Uncertain Significance.

Color Diagnostics, LLC DBA Color Health
Classification: Uncertain significance for Hereditary cancer-predisposing syndrome. Last evaluated: 2020-10-14. Review status: criteria provided, single submitter. Criteria: ACMG Guidelines, 2015. Collection method: clinical testing. Allele origin: germline.
Comment: This missense variant replaces leucine with serine at codon 183 of the CHEK2 protein. Computational prediction suggests that this variant may have deleterious impact on protein structure and function (internally defined REVEL score threshold >= 0.7, PMID: 27666373). Functional studies have shown that this variant has defective DNA damage response in a yeast assay (PMID: 30851065). This variant has been reported in individuals affected with breast cancer (PMID: 30851065). This variant has not been identified in the general population by the Genome Aggregation Database (gnomAD). The available evidence is insufficient to determine the role of this variant in disease conclusively. Therefore, this variant is classified as a Variant of Uncertain Significance.

Literature cited by the submitters: PubMed 30851065 (cited by Labcorp Genetics (formerly Invitae), Labcorp).

NM_007194.4(CHEK2):c.548T>C (p.Leu183Ser)

Gene: CHEK2 (checkpoint kinase 2; minus strand). Cytogenetic location: 22q12.1.
Variant type: single nucleotide variant.
Coding change: c.548T>C on transcript NM_007194.4 (MANE Select); coding-DNA position 548, T replaced by C.
Protein change: p.Leu183Ser; replaces leucine 183 with serine.
Molecular consequence: missense variant. On other transcripts: 5 prime UTR variant (2), intron variant (1).
Genome position (GRCh38, 1-based): chr22:28,725,021, A>G on the plus strand (T>C on the coding strand, the complement: CHEK2 is on the minus strand). VCF-style: chr22-28725021-A-G. GRCh37 (hg19) VCF-style: chr22-29121009-A-G.
Other names: c.677T>C, p.Leu226Ser (NM_001005735.3, NM_001438294.1); c.-230T>C (NM_001257387.3); c.-116T>C (NM_001437942.1); c.641T>C, p.Leu214Ser (NM_001438293.1, NM_001438295.1); c.548T>C, p.Leu183Ser (NM_145862.3); c.445-98T>C (NM_001349956.3); short protein forms L183S, L226S, L214S.
Identifiers: ClinVar variation 928240 (VCV000928240.6), dbSNP rs2053939966, ClinGen allele CA411107193.